The following is an entry in ClinVar:

ClinVar aggregate classification (germline): Conflicting classifications of pathogenicity. Review status: criteria provided, conflicting classifications (1 of 4 stars). 3 submissions from 3 submitters: Uncertain significance (2); Likely benign (1). Last evaluated 2026-02-11.

Conditions:
Familial melanoma. Also called: Hereditary melanoma; Hereditary cutaneous melanoma. Identifiers: Orphanet 618, MedGen C1512419, MONDO:0018961.
Hereditary cancer-predisposing syndrome. Also called: Hereditary Cancer Syndrome; Tumor predisposition; Neoplastic Syndromes, Hereditary; Hereditary neoplastic syndrome. Identifiers: Orphanet 140162, MedGen C0027672, MeSH D009386, MONDO:0015356.
Melanoma, cutaneous malignant, susceptibility to, 3. Also called: Cutaneous malignant melanoma 3. Identifiers: Orphanet 618, MedGen C1836892, MONDO:0012183, OMIM 609048.

Submissions (3):

Ambry Genetics
Classification: Uncertain significance for Hereditary cancer-predisposing syndrome. Last evaluated: 2026-02-11. Review status: criteria provided, single submitter. Criteria: Ambry Variant Classification Scheme 2023. Collection method: clinical testing. Allele origin: germline.
Comment: The c.632+4T>A intronic variant results from a T to A substitution 4 nucleotides after coding exon 4 in the CDK4 gene. This nucleotide position is not well conserved in available vertebrate species. In silico splice site analysis predicts that this alteration will not have any significant effect on splicing. Based on the available evidence, the clinical significance of this variant remains unclear.

Myriad Genetics, Inc.
Classification: Likely benign for Melanoma, cutaneous malignant, susceptibility to, 3. Last evaluated: 2024-09-26. Review status: criteria provided, single submitter. Criteria: Myriad Autosomal Dominant, Autosomal Recessive and X-Linked Classification Criteria (2023). Collection method: clinical testing. Allele origin: unknown.
Comment: This variant is considered likely benign. This variant is intronic and is not expected to impact mRNA splicing.

Labcorp Genetics (formerly Invitae), Labcorp
Classification: Uncertain significance for Familial melanoma. Last evaluated: 2023-10-05. Review status: criteria provided, single submitter. Criteria: Invitae Variant Classification Sherloc (09022015). Collection method: clinical testing. Allele origin: germline.
Comment: This sequence change falls in intron 5 of the CDK4 gene. It does not directly change the encoded amino acid sequence of the CDK4 protein. It affects a nucleotide within the consensus splice site. This variant is not present in population databases (gnomAD no frequency). This variant has not been reported in the literature in individuals affected with CDK4-related conditions. ClinVar contains an entry for this variant (Variation ID: 826324). Variants that disrupt the consensus splice site are a relatively common cause of aberrant splicing (PMID: 17576681, 9536098). Algorithms developed to predict the effect of sequence changes on RNA splicing suggest that this variant is not likely to affect RNA splicing. In summary, the available evidence is currently insufficient to determine the role of this variant in disease. Therefore, it has been classified as a Variant of Uncertain Significance.

Literature cited by the submitters: PubMed 17576681 (cited by Labcorp Genetics (formerly Invitae), Labcorp); PubMed 9536098 (cited by Labcorp Genetics (formerly Invitae), Labcorp).

NM_000075.4(CDK4):c.632+4T>A

Gene: CDK4 (cyclin dependent kinase 4; minus strand). Cytogenetic location: 12q14.1.
Variant type: single nucleotide variant.
Coding change: c.632+4T>A on transcript NM_000075.4 (MANE Select); 4 bases into the intron after coding-DNA position 632, T replaced by A.
Molecular consequence: intron variant.
Genome position (GRCh38, 1-based): chr12:57,750,652, A>T on the plus strand (T>A on the coding strand, the complement: CDK4 is on the minus strand). VCF-style: chr12-57750652-A-T. GRCh37 (hg19) VCF-style: chr12-58144435-A-T.
Identifiers: ClinVar variation 826324 (VCV000826324.11), dbSNP rs1397979744, ClinGen allele CA915948424.